The following is an entry in ClinVar:

ClinVar aggregate classification (germline): Uncertain significance. Review status: criteria provided, multiple submitters, no conflicts (2 of 4 stars). 2 submissions from 2 submitters: Uncertain significance (2). Last evaluated 2024-11-29.

Conditions:
Hereditary cancer-predisposing syndrome. Also called: Tumor predisposition; Neoplastic Syndromes, Hereditary; Hereditary neoplastic syndrome; Hereditary Cancer Syndrome. Identifiers: Orphanet 140162, MedGen C0027672, MeSH D009386, MONDO:0015356.

Submissions (2):

Ambry Genetics
Classification: Uncertain significance for Hereditary cancer-predisposing syndrome. Last evaluated: 2024-11-29. Review status: criteria provided, single submitter. Criteria: Ambry Variant Classification Scheme 2023. Collection method: clinical testing. Allele origin: germline.
Comment: The p.P334S variant (also known as c.1000C>T), located in coding exon 8 of the SMARCB1 gene, results from a C to T substitution at nucleotide position 1000. The proline at codon 334 is replaced by serine, an amino acid with similar properties. This amino acid position is highly conserved in available vertebrate species. In addition, the in silico prediction for this alteration is inconclusive. Based on the available evidence, the clinical significance of this variant remains unclear.

Labcorp Genetics (formerly Invitae), Labcorp
Classification: Uncertain significance. Last evaluated: 2024-03-01. Review status: criteria provided, single submitter. Criteria: Invitae Variant Classification Sherloc (09022015). Collection method: clinical testing. Allele origin: germline.
Comment: This sequence change replaces proline, which is neutral and non-polar, with serine, which is neutral and polar, at codon 334 of the SMARCB1 protein (p.Pro334Ser). This variant is not present in population databases (gnomAD no frequency). This variant has not been reported in the literature in individuals affected with SMARCB1-related conditions. Advanced modeling of protein sequence and biophysical properties (such as structural, functional, and spatial information, amino acid conservation, physicochemical variation, residue mobility, and thermodynamic stability) performed at Invitae indicates that this missense variant is not expected to disrupt SMARCB1 protein function with a negative predictive value of 80%. Algorithms developed to predict the effect of sequence changes on RNA splicing suggest that this variant may create or strengthen a splice site. In summary, the available evidence is currently insufficient to determine the role of this variant in disease. Therefore, it has been classified as a Variant of Uncertain Significance.

NM_003073.5(SMARCB1):c.1000C>T (p.Pro334Ser)

Gene: SMARCB1 (SWI/SNF related BAF chromatin remodeling complex subunit B1; plus strand). Cytogenetic location: 22q11.23.
Variant type: single nucleotide variant.
Coding change: c.1000C>T on transcript NM_003073.5 (MANE Select); coding-DNA position 1000, C replaced by T.
Protein change: p.Pro334Ser; replaces proline 334 with serine.
Molecular consequence: missense variant.
Genome position (GRCh38, 1-based): chr22:23,833,585, C>T. VCF-style: chr22-23833585-C-T. GRCh37 (hg19) VCF-style: chr22-24175772-C-T.
Other names: c.973C>T, p.Pro325Ser (NM_001007468.3); c.1027C>T, p.Pro343Ser (NM_001317946.2); c.1054C>T, p.Pro352Ser (NM_001362877.2); short protein forms P352S, P325S, P343S, P334S.
Identifiers: ClinVar variation 3446091 (VCV003446091.3).
Genomic context (GRCh38, chr22:23,833,585, plus strand): 5'-TCTATAGCTGGAAAAGTCATTCCTCTCACTGCCTCCCCTCCTCGTAGCGAGAACCCTCTG[C>T]CCACAGTGGAGATTGCCATCCGGAACACGGGCGATGCGGACCAGTGGTGCCCACTGCTGG-3'
Protein context (NP_003064.2, residues 324-344): KTYAFSENPL[Pro334Ser]TVEIAIRNTG